The following is an entry in ClinVar:

ClinVar aggregate classification (germline): Uncertain significance. Review status: criteria provided, multiple submitters, no conflicts (2 of 4 stars). 5 submissions from 5 submitters: Uncertain significance (3). 2 of the submissions do not count toward it. Last evaluated 2023-05-24.

Conditions:
Inborn genetic diseases. Identifiers: MedGen C0950123, MeSH D030342.
Leber congenital amaurosis 5 (LCA5). Also called: Amaurosis congenita of Leber, type 5. Identifiers: Orphanet 65, MedGen C1858301, MONDO:0011473, OMIM 604537.

Allele frequency attached by ClinVar (database versions not stated): gnomAD exomes below 0.00001; ExAC 0.00002.
gnomAD v4.1: 4 of 1,614,100 alleles (0.00025%); highest among the groups gnomAD compares: Middle Eastern, 0.016%; no homozygotes.

Submissions (5):

Ambry Genetics
Classification: Uncertain significance for Inborn genetic diseases. Last evaluated: 2023-05-24. Review status: criteria provided, single submitter. Criteria: Ambry Variant Classification Scheme 2023. Collection method: clinical testing. Allele origin: germline.

Labcorp Genetics (formerly Invitae), Labcorp
Classification: Uncertain significance. Last evaluated: 2022-02-02. Review status: criteria provided, single submitter. Criteria: Invitae Variant Classification Sherloc (09022015). Collection method: clinical testing. Allele origin: germline.
Comment: This sequence change replaces valine, which is neutral and non-polar, with aspartic acid, which is acidic and polar, at codon 46 of the LCA5 protein (p.Val46Asp). This variant is present in population databases (rs765571375, gnomAD 0.0009%). This variant has not been reported in the literature in individuals affected with LCA5-related conditions. ClinVar contains an entry for this variant (Variation ID: 1284340). Algorithms developed to predict the effect of missense changes on protein structure and function (SIFT, PolyPhen-2, Align-GVGD) all suggest that this variant is likely to be tolerated. In summary, the available evidence is currently insufficient to determine the role of this variant in disease. Therefore, it has been classified as a Variant of Uncertain Significance.

Fulgent Genetics
Classification: Uncertain significance for Leber congenital amaurosis 5. Last evaluated: 2022-01-14. Review status: criteria provided, single submitter. Criteria: ACMG Guidelines, 2015. Collection method: clinical testing. Allele origin: unknown.

Clinical Genetics DNA and cytogenetics Diagnostics Lab, Erasmus MC, Erasmus Medical Center
Classification: Uncertain significance. Review status: no assertion criteria provided. Collection method: clinical testing. Allele origin: germline. Affected: yes. Study: VKGL Data-share Consensus. Not counted in ClinVar's aggregate classification.

Clinical Genetics, Academic Medical Center
Classification: Uncertain significance. Review status: no assertion criteria provided. Collection method: clinical testing. Allele origin: germline. Affected: yes. Study: VKGL Data-share Consensus. Not counted in ClinVar's aggregate classification.

NM_001122769.3(LCA5):c.137T>A (p.Val46Asp)

Gene: LCA5 (lebercilin LCA5; minus strand). Cytogenetic location: 6q14.1.
Variant type: single nucleotide variant.
Coding change: c.137T>A on transcript NM_001122769.3 (MANE Select); coding-DNA position 137, T replaced by A.
Protein change: p.Val46Asp; replaces valine 46 with aspartic acid.
Molecular consequence: missense variant.
Genome position (GRCh38, 1-based): chr6:79,518,758, A>T on the plus strand (T>A on the coding strand, the complement: LCA5 is on the minus strand). VCF-style: chr6-79518758-A-T. GRCh37 (hg19) VCF-style: chr6-80228475-A-T.
Other names: c.137T>A (NM_181714.3); c.137T>A, p.Val46Asp (NM_181714.4); short protein forms V46D.
Identifiers: ClinVar variation 1284340 (VCV001284340.10), dbSNP rs765571375, ClinGen allele CA3901205.